The following is an entry in ClinVar:

NM_002855.5(NECTIN1):c.1061C>T (p.Thr354Met)

Gene: NECTIN1 (nectin cell adhesion molecule 1; minus strand). Cytogenetic location: 11q23.3.
Variant type: single nucleotide variant.
Coding change: c.1061C>T on transcript NM_002855.5 (MANE Select); coding-DNA position 1061, C replaced by T.
Protein change: p.Thr354Met; replaces threonine 354 with methionine.
Molecular consequence: missense variant. On other transcripts: intron variant (1).
Genome position (GRCh38, 1-based): chr11:119,665,240, G>A on the plus strand (C>T on the coding strand, the complement: NECTIN1 is on the minus strand). VCF-style: chr11-119665240-G-A. GRCh37 (hg19) VCF-style: chr11-119535950-G-A.
Other names: c.1003+9919C>T (NM_203285.2); short protein forms T354M.
Identifiers: ClinVar variation 4779294 (VCV004779294.1).

ClinVar aggregate classification (germline): Uncertain significance (1 of 4 stars; one submission).

gnomAD v4.1: 16 of 1,600,882 alleles (0.001%); highest among the groups gnomAD compares: Middle Eastern, 0.016%; no homozygotes.

Submission:

Labcorp Genetics (formerly Invitae), Labcorp
Classification: Uncertain significance. Last evaluated: 2025-03-05. Review status: criteria provided, single submitter. Criteria: Invitae Variant Classification Sherloc (09022015). Collection method: clinical testing. Allele origin: germline.
Comment: This sequence change replaces threonine, which is neutral and polar, with methionine, which is neutral and non-polar, at codon 354 of the NECTIN1 protein (p.Thr354Met). This variant is present in population databases (rs755401864, gnomAD 0.02%). This variant has not been reported in the literature in individuals affected with NECTIN1-related conditions. An algorithm developed to predict the effect of missense changes on protein structure and function (PolyPhen-2) suggests that this variant is likely to be disruptive. In summary, the available evidence is currently insufficient to determine the role of this variant in disease. Therefore, it has been classified as a Variant of Uncertain Significance.